The following is an entry in ClinVar:

NM_001267550.2(TTN):c.72985A>G (p.Asn24329Asp)

Genes: TTN (titin; minus strand), TTN-AS1 (TTN antisense RNA 1; plus strand). Cytogenetic location: 2q31.2.
Variant type: single nucleotide variant.
Coding change: c.72985A>G on transcript NM_001267550.2 (MANE Select); coding-DNA position 72985, A replaced by G.
Protein change: p.Asn24329Asp; replaces asparagine 24329 with aspartic acid.
Molecular consequence: missense variant.
Genome position (GRCh38, 1-based): chr2:178,573,147, T>C on the plus strand (A>G on the coding strand, the complement: TTN is on the minus strand). VCF-style: chr2-178573147-T-C. GRCh37 (hg19) VCF-style: chr2-179437874-T-C.
Other names: c.68062A>G, p.Asn22688Asp (NM_001256850.1); c.45790A>G, p.Asn15264Asp (NM_003319.4); c.46165A>G, p.Asn15389Asp (NM_133432.3); c.46366A>G, p.Asn15456Asp (NM_133437.4); c.65281A>G, p.Asn21761Asp (NM_133378.4); short protein forms N24329D, N21761D, N15264D, N15389D, N15456D, N22688D.
Identifiers: ClinVar variation 47319 (VCV000047319.5), dbSNP rs397517694, ClinGen allele CA140674.
Genomic context (GRCh38, chr2:178,573,147, plus strand): 5'-AGATAGGTTTATTCCAAGCGATTGAAATGGATGATCTGCTTGTATCCAGAACACGTGGGT[T>C]ACCTGGTGGTCCAGGTTTAAACACAGTGTCACAAGCCTTGTAAAATGGACTGGTAGGACT-3'
Protein context (NP_001254479.2, residues 24319-24339): DTVFKPGPPG[Asn24329Asp]PRVLDTSRSS

ClinVar aggregate classification (germline): Uncertain significance (1 of 4 stars; one submission).

Submission:

Laboratory for Molecular Medicine, Mass General Brigham Personalized Medicine
Classification: Uncertain significance. Last evaluated: 2012-02-09. Review status: criteria provided, single submitter. Criteria: LMM Criteria. Collection method: clinical testing. Allele origin: germline. Observed: 1 variant allele.
Comment: The Asn21761Asp variant (TTN) has not been reported in the literature nor previo usly identified by our laboratory. Computational analyses (biochemical amino aci d properties, conservation, AlignGVGD, SIFT) do not provide strong support for o r against pathogenicity. Additional information is needed to fully assess the cl inical significance of the Asn21761Asp variant.